The following is an entry in ClinVar:

NM_001378457.1(DMXL2):c.6709A>G (p.Ile2237Val)

Gene: DMXL2 (Dmx like 2; minus strand). Cytogenetic location: 15q21.2.
Variant type: single nucleotide variant.
Coding change: c.6709A>G on transcript NM_001378457.1 (MANE Select); coding-DNA position 6709, A replaced by G.
Protein change: p.Ile2237Val; replaces isoleucine 2237 with valine.
Molecular consequence: missense variant. On other transcripts: non-coding transcript variant (2).
Genome position (GRCh38, 1-based): chr15:51,479,995, T>C on the plus strand (A>G on the coding strand, the complement: DMXL2 is on the minus strand). VCF-style: chr15-51479995-T-C. GRCh37 (hg19) VCF-style: chr15-51772192-T-C.
Other names: c.6709A>G, p.Ile2237Val (NM_001174116.3, NM_001378458.1, NM_001378459.1 and 4 more transcripts); c.4801A>G, p.Ile1601Val (NM_001174117.3); c.4690A>G, p.Ile1564Val (NM_001378460.1); c.6469A>G, p.Ile2157Val (NM_001378464.1); short protein forms I2237V, I1564V, I1601V, I2157V.
Identifiers: ClinVar variation 2184357 (VCV002184357.1), dbSNP rs766931487, ClinGen allele CA7561572.

ClinVar aggregate classification (germline): Uncertain significance (1 of 4 stars; one submission).

Allele frequency attached by ClinVar (database versions not stated): ExAC 0.00003; gnomAD 0.00003; gnomAD exomes 0.00003; TOPMed 0.00003.

Submission:

Labcorp Genetics (formerly Invitae), Labcorp
Classification: Uncertain significance. Last evaluated: 2022-08-21. Review status: criteria provided, single submitter. Criteria: Invitae Variant Classification Sherloc (09022015). Collection method: clinical testing. Allele origin: germline.
Comment: This sequence change replaces isoleucine, which is neutral and non-polar, with valine, which is neutral and non-polar, at codon 2237 of the DMXL2 protein (p.Ile2237Val). This variant is present in population databases (rs766931487, gnomAD 0.01%). This variant has not been reported in the literature in individuals affected with DMXL2-related conditions. Algorithms developed to predict the effect of missense changes on protein structure and function are either unavailable or do not agree on the potential impact of this missense change (SIFT: "Deleterious"; PolyPhen-2: "Benign"; Align-GVGD: "Class C0"). In summary, the available evidence is currently insufficient to determine the role of this variant in disease. Therefore, it has been classified as a Variant of Uncertain Significance.